The following is an entry in ClinVar:

ClinVar aggregate classification (germline): Uncertain significance. Review status: criteria provided, multiple submitters, no conflicts (2 of 4 stars). 2 submissions from 2 submitters: Uncertain significance (2). Last evaluated 2024-10-10.

Conditions:
Intellectual developmental disorder, X-linked, syndromic, Turner type. Also called: X-linked intellectual disability, Turner type; Intellectual disability, X-linked syndromic, Turner type. Identifiers: Orphanet 3056, Orphanet 85328, MedGen C2678046, MONDO:0010407, OMIM 309590.

Allele frequency attached by ClinVar (database versions not stated): TOPMed 0.00001.

Submissions (2):

GeneDx
Classification: Uncertain significance. Last evaluated: 2024-10-10. Review status: criteria provided, single submitter. Criteria: GeneDx Variant Classification Process June 2021. Collection method: clinical testing. Allele origin: germline. Affected: yes.
Comment: Not observed at significant frequency in large population cohorts (gnomAD); In silico analysis supports that this missense variant does not alter protein structure/function; Has not been previously published as pathogenic or benign to our knowledge

Revvity Omics, Revvity
Classification: Uncertain significance for Intellectual developmental disorder, X-linked, syndromic, Turner type. Last evaluated: 2021-09-17. Review status: criteria provided, single submitter. Criteria: ACMG Guidelines, 2015. Collection method: clinical testing. Allele origin: germline.

NM_031407.7(HUWE1):c.8529T>A (p.Asp2843Glu)

Gene: HUWE1 (HECT, UBA and WWE domain containing E3 ubiquitin protein ligase 1; minus strand). Cytogenetic location: Xp11.22.
Variant type: single nucleotide variant.
Coding change: c.8529T>A on transcript NM_031407.7 (MANE Select); coding-DNA position 8529, T replaced by A.
Protein change: p.Asp2843Glu; replaces aspartic acid 2843 with glutamic acid.
Molecular consequence: missense variant.
Genome position (GRCh38, 1-based): chrX:53,552,859, A>T on the plus strand (T>A on the coding strand, the complement: HUWE1 is on the minus strand). VCF-style: chrX-53552859-A-T. GRCh37 (hg19) VCF-style: chrX-53579820-A-T.
Other names: c.8529T>A (NM_031407.4); short protein forms D2843E.
Identifiers: ClinVar variation 2432670 (VCV002432670.4), dbSNP rs2061821773, ClinGen allele CA413146766.
Genomic context (GRCh38, chrX:53,552,859, plus strand): 5'-AGCCAGGCTGCTTGTATCCATAGGAGAGCCTTCTAGCTGACTGCTGACAGCCGTCAGTGC[A>T]TCAGAATCCTCAGCTCTCTCTGGGGAAAGTGAGGCTAGGAAGAAGTTGCAGGGAGAGGTT-3'
Protein context (NP_113584.3, residues 2833-2853): SLSPERAEDS[Asp2843Glu]ALTAVSSQLE